The following is an entry in ClinVar:

ClinVar aggregate classification (germline): Uncertain significance. Review status: criteria provided, single submitter (1 of 4 stars). 2 submissions from 2 submitters: Uncertain significance (1). 1 of the submissions does not count toward it. Last evaluated 2022-02-28.

Conditions:
Intellectual developmental disorder, autosomal dominant 6, with or without seizures. Also called: Intellectual disability, autosomal dominant 6; GRIN2B-related developmental delay, intellectual disability and autism spectrum disorder. Identifiers: Orphanet 589547, MedGen C3151411, MONDO:0013509, OMIM 613970.
Developmental and epileptic encephalopathy, 27 (DEE27). Also called: Epileptic encephalopathy, early infantile, 27; GRIN2B-Related Neurodevelopmental Disorder. Identifiers: Orphanet 3451, MedGen C4015316, MONDO:0014505, OMIM 616139.

Allele frequency attached by ClinVar (database versions not stated): gnomAD exomes below 0.00001; ExAC 0.00001; gnomAD 0.00001; TOPMed 0.00001.
gnomAD v4.1: 6 of 1,613,418 alleles (0.00037%); highest among the groups gnomAD compares: Admixed American, 0.0033%; no homozygotes.

Submissions (2):

Labcorp Genetics (formerly Invitae), Labcorp
Classification: Uncertain significance for Developmental and epileptic encephalopathy, 27; Intellectual developmental disorder, autosomal dominant 6, with or without seizures. Last evaluated: 2022-02-28. Review status: criteria provided, single submitter. Criteria: Invitae Variant Classification Sherloc (09022015). Collection method: clinical testing. Allele origin: germline.
Comment: This sequence change replaces glycine, which is neutral and non-polar, with serine, which is neutral and polar, at codon 1188 of the GRIN2B protein (p.Gly1188Ser). In summary, the available evidence is currently insufficient to determine the role of this variant in disease. Therefore, it has been classified as a Variant of Uncertain Significance. Advanced modeling of protein sequence and biophysical properties (such as structural, functional, and spatial information, amino acid conservation, physicochemical variation, residue mobility, and thermodynamic stability) performed at Invitae indicates that this missense variant is not expected to disrupt GRIN2B protein function. ClinVar contains an entry for this variant (Variation ID: 98434). This variant has not been reported in the literature in individuals affected with GRIN2B-related conditions. This variant is present in population databases (rs367543149, gnomAD 0.003%).

Psychiatry Genetics Yale University
No classification provided. Review status: no classification provided. Collection method: not provided. Allele origin: not provided. Not counted in ClinVar's aggregate classification.

NM_000834.5(GRIN2B):c.3562G>A (p.Gly1188Ser)

Gene: GRIN2B (glutamate ionotropic receptor NMDA type subunit 2B; minus strand). Cytogenetic location: 12p13.1.
Variant type: single nucleotide variant.
Coding change: c.3562G>A on transcript NM_000834.5 (MANE Select); coding-DNA position 3562, G replaced by A.
Protein change: p.Gly1188Ser; replaces glycine 1188 with serine.
Molecular consequence: missense variant.
Genome position (GRCh38, 1-based): chr12:13,563,676, C>T on the plus strand (G>A on the coding strand, the complement: GRIN2B is on the minus strand). VCF-style: chr12-13563676-C-T. GRCh37 (hg19) VCF-style: chr12-13716610-C-T.
Other names: short protein forms G1188S.
Identifiers: ClinVar variation 98434 (VCV000098434.6), dbSNP rs367543149, ClinGen allele CA225821.
Genomic context (GRCh38, chr12:13,563,676, plus strand): 5'-CCTCCCACTCCACGTTGGTCAGGTTCTTCTCCCAAGGTGCAGGTACCCCGCTGACCACGC[C>T]GTGTTTGTCGCCCGTCCCGTGCTTGATGTGAGACCTGTTGGTACAGGGCCCTCCTCCGCT-3'
Protein context (NP_000825.2, residues 1178-1198): HIKHGTGDKH[Gly1188Ser]VVSGVPAPWE